The following is an entry in ClinVar:

NM_004168.4(SDHA):c.*9G>C

Gene: SDHA (succinate dehydrogenase complex flavoprotein subunit A; plus strand). Cytogenetic location: 5p15.33.
Variant type: single nucleotide variant.
Coding change: c.*9G>C on transcript NM_004168.4 (MANE Select); 9 bases downstream of the stop codon, G replaced by C.
Molecular consequence: 3 prime UTR variant.
Genome position (GRCh38, 1-based): chr5:256,429, G>C. VCF-style: chr5-256429-G-C. GRCh37 (hg19) VCF-style: chr5-256544-G-C.
Other names: c.*9G>C (NM_001294332.2, NM_001330758.2).
Identifiers: ClinVar variation 3051649 (VCV003051649.3), dbSNP rs1396942533, ClinGen allele CA1072376410.

ClinVar aggregate classification (germline): Benign. Review status: criteria provided, single submitter (1 of 4 stars). 2 submissions from 2 submitters: Benign (1). 1 of the submissions does not count toward it. Last evaluated 2025-03-11.

Conditions:
SDHA-related disorder. Also called: SDHA-related condition; SDHA-related disorders.
Pheochromocytoma/paraganglioma syndrome 5. Also called: Paragangliomas 5; SDHA-Related Hereditary Paraganglioma-Pheochromocytoma Syndrome. Identifiers: Orphanet 29072, MedGen C3279992, MONDO:0013602, OMIM 614165.

Submissions (2):

Myriad Genetics, Inc.
Classification: Benign for Pheochromocytoma/paraganglioma syndrome 5. Last evaluated: 2025-03-11. Review status: criteria provided, single submitter. Criteria: Myriad Autosomal Dominant, Autosomal Recessive and X-Linked Classification Criteria (2023). Collection method: clinical testing. Allele origin: unknown.
Comment: This variant is considered benign. This variant occurs in the non-coding 3' untranslated region of the gene, and is not expected to impact protein function.

PreventionGenetics, part of Exact Sciences
Classification: Likely benign for SDHA-related condition. Last evaluated: 2022-06-21. Review status: no assertion criteria provided. Collection method: clinical testing. Allele origin: germline. Not counted in ClinVar's aggregate classification.
Comment: This variant is classified as likely benign based on ACMG/AMP sequence variant interpretation guidelines (Richards et al. 2015 PMID: 25741868, with internal and published modifications).